The following is an entry in ClinVar:

ClinVar aggregate classification (germline): Uncertain significance (1 of 4 stars; one submission).

Allele frequency attached by ClinVar (database versions not stated): gnomAD exomes below 0.00001; TOPMed below 0.00001.
gnomAD v4.1: 3 of 1,614,132 alleles (0.00019%); highest among the groups gnomAD compares: Non-Finnish European, 0.00025%; no homozygotes.

Submission:

GeneDx
Classification: Uncertain significance. Last evaluated: 2022-07-12. Review status: criteria provided, single submitter. Criteria: GeneDx Variant Classification Process June 2021. Collection method: clinical testing. Allele origin: germline. Affected: yes.
Comment: Not observed at significant frequency in large population cohorts (gnomAD); In silico analysis supports that this missense variant has a deleterious effect on protein structure/function; Has not been previously published as pathogenic or benign to our knowledge

NM_003024.3(ITSN1):c.4316A>G (p.His1439Arg)

Gene: ITSN1 (intersectin 1; plus strand). Cytogenetic location: 21q22.11.
Variant type: single nucleotide variant.
Coding change: c.4316A>G on transcript NM_003024.3 (MANE Select); coding-DNA position 4316, A replaced by G.
Protein change: p.His1439Arg; replaces histidine 1439 with arginine.
Molecular consequence: missense variant.
Genome position (GRCh38, 1-based): chr21:33,875,496, A>G. VCF-style: chr21-33875496-A-G. GRCh37 (hg19) VCF-style: chr21-35247800-A-G.
Other names: c.4301A>G, p.His1434Arg (NM_001331010.2); short protein forms H1434R, H1439R.
Identifiers: ClinVar variation 1878728 (VCV001878728.1), dbSNP rs1293890007, ClinGen allele CA410151442.